The following is an entry in ClinVar:

ClinVar aggregate classification (germline): Uncertain significance. Review status: criteria provided, multiple submitters, no conflicts (2 of 4 stars). 5 submissions from 5 submitters: Uncertain significance (5). Last evaluated 2022-06-24.

Conditions:
Mitochondrial complex I deficiency, nuclear type 31. Also called: Mitochondrial complex 1 deficiency, nuclear type 31. Identifiers: MedGen C4748838, MONDO:0032634, OMIM 618251.

Allele frequency attached by ClinVar (database versions not stated): gnomAD 0.00002 and 0.00005; TOPMed 0.00007; ESP Exome Variant Server 0.00008; gnomAD exomes 0.00008 and 0.00009; ExAC 0.00010.
gnomAD v4.1: 126 of 1,603,130 alleles (0.0079%); highest among the groups gnomAD compares: Middle Eastern, 0.55%; 1 homozygote.

Submissions (5):

Labcorp Genetics (formerly Invitae), Labcorp
Classification: Uncertain significance. Last evaluated: 2022-06-24. Review status: criteria provided, single submitter. Criteria: Invitae Variant Classification Sherloc (09022015). Collection method: clinical testing. Allele origin: germline.
Comment: This sequence change replaces threonine, which is neutral and polar, with alanine, which is neutral and non-polar, at codon 200 of the TIMMDC1 protein (p.Thr200Ala). This variant is present in population databases (rs200592275, gnomAD 0.01%). This variant has not been reported in the literature in individuals affected with TIMMDC1-related conditions. ClinVar contains an entry for this variant (Variation ID: 809523). Algorithms developed to predict the effect of missense changes on protein structure and function output the following: SIFT: "Tolerated"; PolyPhen-2: "Benign"; Align-GVGD: "Class C0". The alanine amino acid residue is found in multiple mammalian species, which suggests that this missense change does not adversely affect protein function. In summary, the available evidence is currently insufficient to determine the role of this variant in disease. Therefore, it has been classified as a Variant of Uncertain Significance.

Ambry Genetics
Classification: Uncertain significance. Last evaluated: 2021-07-14. Review status: criteria provided, single submitter. Criteria: Ambry Variant Classification Scheme 2023. Collection method: clinical testing. Allele origin: germline.

Baylor Genetics
Classification: Uncertain significance for Mitochondrial complex I deficiency, nuclear type 31. Last evaluated: 2019-12-06. Review status: criteria provided, single submitter. Criteria: ACMG Guidelines, 2015. Collection method: clinical testing. Allele origin: unknown. Affected: yes.
Comment: This variant was determined to be of uncertain significance according to ACMG Guidelines, 2015 [PMID:25741868].

CeGaT Center for Human Genetics Tuebingen
Classification: Uncertain significance. Last evaluated: 2018-07-01. Review status: criteria provided, single submitter. Criteria: CeGaT Center For Human Genetics Tuebingen Variant Classification Criteria Version 2. Collection method: clinical testing. Allele origin: germline. Affected: yes. Observed: 1 variant allele.

Breakthrough Genomics
Classification: Uncertain significance. Review status: criteria provided, single submitter. Criteria: ACMG Guidelines, 2015. Collection method: not provided. Allele origin: germline. Inheritance: Autosomal recessive inheritance. Affected: yes.

NM_016589.4(TIMMDC1):c.598A>G (p.Thr200Ala)

Gene: TIMMDC1 (translocase of inner mitochondrial membrane domain containing 1; plus strand). Cytogenetic location: 3q13.33.
Variant type: single nucleotide variant.
Coding change: c.598A>G on transcript NM_016589.4 (MANE Select); coding-DNA position 598, A replaced by G.
Protein change: p.Thr200Ala; replaces threonine 200 with alanine.
Molecular consequence: missense variant.
Genome position (GRCh38, 1-based): chr3:119,517,206, A>G. VCF-style: chr3-119517206-A-G. GRCh37 (hg19) VCF-style: chr3-119236053-A-G.
Other names: short protein forms T200A.
Identifiers: ClinVar variation 809523 (VCV000809523.46), dbSNP rs200592275, ClinGen allele CA2555314.